The following is an entry in ClinVar:

NM_153460.4(IL17RC):c.105+145C>G

Gene: IL17RC (interleukin 17 receptor C; plus strand). Cytogenetic location: 3p25.3.
Variant type: single nucleotide variant.
Coding change: c.105+145C>G on transcript NM_153460.4 (MANE Select); 145 bases into the intron after coding-DNA position 105, C replaced by G.
Molecular consequence: intron variant. On other transcripts: missense variant (1).
Genome position (GRCh38, 1-based): chr3:9,917,565, C>G. VCF-style: chr3-9917565-C-G. GRCh37 (hg19) VCF-style: chr3-9959249-C-G.
Other names: c.250C>G, p.Arg84Gly (NM_153461.4); c.105+145C>G (NM_001203263.2, NM_001203264.2, NM_001367278.1 and 4 more transcripts); short protein forms R84G.
Identifiers: ClinVar variation 1506002 (VCV001506002.8), dbSNP rs553003266, ClinGen allele CA351753990.

ClinVar aggregate classification (germline): Uncertain significance (1 of 4 stars; one submission).

Conditions:
Candidiasis, familial, 9 (CANDF9). Identifiers: Orphanet 1334, MedGen C4225324, MONDO:0014642, OMIM 616445.

Submission:

Labcorp Genetics (formerly Invitae), Labcorp
Classification: Uncertain significance for Candidiasis, familial, 9. Last evaluated: 2022-09-02. Review status: criteria provided, single submitter. Criteria: Invitae Variant Classification Sherloc (09022015). Collection method: clinical testing. Allele origin: germline.
Comment: This variant has not been reported in the literature in individuals affected with IL17RC-related conditions. This sequence change replaces arginine, which is basic and polar, with glycine, which is neutral and non-polar, at codon 84 of the IL17RC protein (p.Arg84Gly). This variant is present in population databases (no rsID available, gnomAD 0.003%). ClinVar contains an entry for this variant (Variation ID: 1506002). Algorithms developed to predict the effect of missense changes on protein structure and function output the following: SIFT: "Tolerated"; PolyPhen-2: "Benign"; Align-GVGD: "Class C0". The glycine amino acid residue is found in multiple mammalian species, which suggests that this missense change does not adversely affect protein function. In summary, the available evidence is currently insufficient to determine the role of this variant in disease. Therefore, it has been classified as a Variant of Uncertain Significance.